The following is an entry in ClinVar:

NM_005859.5(PURA):c.681C>G (p.Asp227Glu)

Gene: PURA (purine rich element binding protein A; plus strand). Cytogenetic location: 5q31.3.
Variant type: single nucleotide variant.
Coding change: c.681C>G on transcript NM_005859.5 (MANE Select); coding-DNA position 681, C replaced by G.
Protein change: p.Asp227Glu; replaces aspartic acid 227 with glutamic acid.
Molecular consequence: missense variant.
Genome position (GRCh38, 1-based): chr5:140,114,862, C>G. VCF-style: chr5-140114862-C-G. GRCh37 (hg19) VCF-style: chr5-139494447-C-G.
Other names: short protein forms D227E.
Identifiers: ClinVar variation 3638756 (VCV003638756.2).

ClinVar aggregate classification (germline): Uncertain significance (1 of 4 stars; one submission).

Conditions:
PURA-related severe neonatal hypotonia-seizures-encephalopathy syndrome (NEDRIHF). Also called: PURA-Related Neurodevelopmental Disorders; NEURODEVELOPMENTAL DISORDER WITH NEONATAL RESPIRATORY INSUFFICIENCY, HYPOTONIA, AND FEEDING DIFFICULTIES. Identifiers: Orphanet 438213, Orphanet 438216, MedGen C4015357, MONDO:1060108, OMIM 616158, MONDO:0018580.

Submission:

Labcorp Genetics (formerly Invitae), Labcorp
Classification: Uncertain significance for PURA-related severe neonatal hypotonia-seizures-encephalopathy syndrome. Last evaluated: 2024-02-11. Review status: criteria provided, single submitter. Criteria: Invitae Variant Classification Sherloc (09022015). Collection method: clinical testing. Allele origin: germline.
Comment: This sequence change replaces aspartic acid, which is acidic and polar, with glutamic acid, which is acidic and polar, at codon 227 of the PURA protein (p.Asp227Glu). This variant is not present in population databases (gnomAD no frequency). This variant has not been reported in the literature in individuals affected with PURA-related conditions. Advanced modeling of protein sequence and biophysical properties (such as structural, functional, and spatial information, amino acid conservation, physicochemical variation, residue mobility, and thermodynamic stability) performed at Invitae indicates that this missense variant is not expected to disrupt PURA protein function with a negative predictive value of 80%. In summary, the available evidence is currently insufficient to determine the role of this variant in disease. Therefore, it has been classified as a Variant of Uncertain Significance.